The following is an entry in ClinVar:

NM_003839.4(TNFRSF11A):c.1185C>G (p.Ser395Arg)

Gene: TNFRSF11A (TNF receptor superfamily member 11a; plus strand). Cytogenetic location: 18q21.33.
Variant type: single nucleotide variant.
Coding change: c.1185C>G on transcript NM_003839.4 (MANE Select); coding-DNA position 1185, C replaced by G.
Protein change: p.Ser395Arg; replaces serine 395 with arginine.
Molecular consequence: missense variant. On other transcripts: intron variant (3).
Genome position (GRCh38, 1-based): chr18:62,369,102, C>G. VCF-style: chr18-62369102-C-G. GRCh37 (hg19) VCF-style: chr18-60036335-C-G.
Other names: c.1143C>G, p.Ser381Arg (NM_001278268.2); c.783+2342C>G (NM_001270949.2); c.730+7309C>G (NM_001270950.2); c.616+9053C>G (NM_001270951.2); short protein forms S381R, S395R.
Identifiers: ClinVar variation 2818544 (VCV002818544.3), dbSNP rs754481352, ClinGen allele CA8983932.

ClinVar aggregate classification (germline): Uncertain significance (1 of 4 stars; one submission).

Allele frequency attached by ClinVar (database versions not stated): ExAC 0.00002.
gnomAD v4.1: 5 of 1,614,078 alleles (0.00031%); highest among the groups gnomAD compares: Admixed American, 0.0083%; no homozygotes.

Submission:

Labcorp Genetics (formerly Invitae), Labcorp
Classification: Uncertain significance. Last evaluated: 2022-12-05. Review status: criteria provided, single submitter. Criteria: Invitae Variant Classification Sherloc (09022015). Collection method: clinical testing. Allele origin: germline.
Comment: This variant is present in population databases (rs754481352, gnomAD 0.01%). In summary, the available evidence is currently insufficient to determine the role of this variant in disease. Therefore, it has been classified as a Variant of Uncertain Significance. Algorithms developed to predict the effect of missense changes on protein structure and function are either unavailable or do not agree on the potential impact of this missense change (SIFT: "Deleterious"; PolyPhen-2: "Possibly Damaging"; Align-GVGD: "Class C0"). This variant has not been reported in the literature in individuals affected with TNFRSF11A-related conditions. This sequence change replaces serine, which is neutral and polar, with arginine, which is basic and polar, at codon 395 of the TNFRSF11A protein (p.Ser395Arg).